The following is an entry in ClinVar:

NM_001130823.3(DNMT1):c.1756A>G (p.Ser586Gly)

Gene: DNMT1 (DNA methyltransferase 1; minus strand). Cytogenetic location: 19p13.2.
Variant type: single nucleotide variant.
Coding change: c.1756A>G on transcript NM_001130823.3 (MANE Select); coding-DNA position 1756, A replaced by G.
Protein change: p.Ser586Gly; replaces serine 586 with glycine.
Molecular consequence: missense variant.
Genome position (GRCh38, 1-based): chr19:10,154,662, T>C on the plus strand (A>G on the coding strand, the complement: DNMT1 is on the minus strand). VCF-style: chr19-10154662-T-C. GRCh37 (hg19) VCF-style: chr19-10265338-T-C.
Other names: c.1708A>G, p.Ser570Gly (NM_001318730.2, NM_001379.4); c.1393A>G, p.Ser465Gly (NM_001318731.2); c.1756A>G (NM_001130823.2); short protein forms S465G, S570G, S586G.
Identifiers: ClinVar variation 3777093 (VCV003777093.1).

ClinVar aggregate classification (germline): Uncertain significance (1 of 4 stars; one submission).

Conditions:
Autosomal dominant cerebellar ataxia, deafness and narcolepsy. Also called: Autosomal Dominant Cerebellar Ataxia, Deafness, and Narcolepsy (ADCA-DN). Identifiers: Orphanet 314404, MedGen C4302668, MONDO:0011397, OMIM 604121.

Submission:

University of Washington Department of Laboratory Medicine, University of Washington
Classification: Uncertain significance for Autosomal dominant cerebellar ataxia, deafness and narcolepsy. Last evaluated: 2021-06-18. Review status: criteria provided, single submitter. Criteria: ACMG Guidelines, 2015. Collection method: clinical testing. Allele origin: unknown. Affected: yes.
Comment: The p.Ser586Gly variant in the DNMT1 gene has not been previously reported in association with disease and was absent from large population databases, including the Genome Aggregation Database. The DNMT1 gene has fewer missense variants in the general population than expected. A low rate of missense variation may suggest that this gene is intolerant to missense variation. In silico tools predict that the p.Ser586Gly variant does not impact protein function; however, these predictions have not been tested directly. Using ACMG guidelines, this variant was classified as a variant of uncertain significance (ACMG evidence codes used: PM2_supporting, PP2, BP4).